The following is an entry in ClinVar:

ClinVar aggregate classification (germline): Uncertain significance (1 of 4 stars; one submission).

Conditions:
Hereditary cancer-predisposing syndrome. Also called: Neoplastic Syndromes, Hereditary; Tumor predisposition; Hereditary neoplastic syndrome; Hereditary Cancer Syndrome. Identifiers: Orphanet 140162, MedGen C0027672, MeSH D009386, MONDO:0015356.

Submission:

Ambry Genetics
Classification: Uncertain significance for Hereditary cancer-predisposing syndrome. Last evaluated: 2023-01-31. Review status: criteria provided, single submitter. Criteria: Ambry Variant Classification Scheme 2023. Collection method: clinical testing. Allele origin: germline.
Comment: The p.L262P variant (also known as c.785T>C), located in coding exon 10 of the BAP1 gene, results from a T to C substitution at nucleotide position 785. The leucine at codon 262 is replaced by proline, an amino acid with similar properties. This amino acid position is conserved. In addition, this alteration is predicted to be deleterious by in silico analysis. Since supporting evidence is limited at this time, the clinical significance of this alteration remains unclear.

NM_004656.4(BAP1):c.785T>C (p.Leu262Pro)

Gene: BAP1 (BRCA1 associated deubiquitinase 1; minus strand). Cytogenetic location: 3p21.1.
Variant type: single nucleotide variant.
Coding change: c.785T>C on transcript NM_004656.4 (MANE Select); coding-DNA position 785, T replaced by C.
Protein change: p.Leu262Pro; replaces leucine 262 with proline.
Molecular consequence: missense variant.
Genome position (GRCh38, 1-based): chr3:52,405,911, A>G on the plus strand (T>C on the coding strand, the complement: BAP1 is on the minus strand). VCF-style: chr3-52405911-A-G. GRCh37 (hg19) VCF-style: chr3-52439927-A-G.
Other names: c.731T>C, p.Leu244Pro (NM_001410772.1); short protein forms L244P, L262P.
Identifiers: ClinVar variation 2450438 (VCV002450438.2), dbSNP rs2471341514, ClinGen allele CA353106977.